The following is an entry in ClinVar:

NM_001378452.1(ITPR1):c.532A>G (p.Ile178Val)

Gene: ITPR1 (inositol 1,4,5-trisphosphate receptor type 1; plus strand). Cytogenetic location: 3p26.1.
Variant type: single nucleotide variant.
Coding change: c.532A>G on transcript NM_001378452.1 (MANE Select); coding-DNA position 532, A replaced by G.
Protein change: p.Ile178Val; replaces isoleucine 178 with valine.
Molecular consequence: missense variant.
Genome position (GRCh38, 1-based): chr3:4,644,142, A>G. VCF-style: chr3-4644142-A-G. GRCh37 (hg19) VCF-style: chr3-4685826-A-G.
Other names: c.532A>G, p.Ile178Val (NM_001099952.4, NM_001168272.2, NM_002222.7); short protein forms I178V.
Identifiers: ClinVar variation 1300430 (VCV001300430.31), dbSNP rs188477537, ClinGen allele CA2230890.

ClinVar aggregate classification (germline): Conflicting classifications of pathogenicity. Review status: criteria provided, conflicting classifications (1 of 4 stars). 4 submissions from 4 submitters: Uncertain significance (3); Likely benign (1). Last evaluated 2026-01-09.

Conditions:
Inborn genetic diseases. Identifiers: MedGen C0950123, MeSH D030342.

Allele frequency attached by ClinVar (database versions not stated): gnomAD exomes 0.00002 and 0.00005; ExAC 0.00007; gnomAD 0.00021 and 0.00023; ESP Exome Variant Server 0.00024; TOPMed 0.00031; 1000 Genomes Project 0.00060; 1000 Genomes Project 30x 0.00062.
gnomAD v4.1: 65 of 1,609,720 alleles (0.004%); highest among the groups gnomAD compares: African/African-American, 0.057%; no homozygotes.

Submissions (4):

Labcorp Genetics (formerly Invitae), Labcorp
Classification: Likely benign. Last evaluated: 2026-01-09. Review status: criteria provided, single submitter. Criteria: Invitae Variant Classification Sherloc (09022015). Collection method: clinical testing. Allele origin: germline.

GeneDx
Classification: Uncertain significance. Last evaluated: 2025-10-07. Review status: criteria provided, single submitter. Criteria: GeneDx Variant Classification Process June 2021. Collection method: clinical testing. Allele origin: germline. Affected: yes.
Comment: In silico analysis suggests that this missense variant does not alter protein structure/function; Has not been previously published as pathogenic or benign to our knowledge

CeGaT Center for Human Genetics Tuebingen
Classification: Uncertain significance. Last evaluated: 2023-11-01. Review status: criteria provided, single submitter. Criteria: CeGaT Center For Human Genetics Tuebingen Variant Classification Criteria Version 2. Collection method: clinical testing. Allele origin: germline. Affected: yes. Observed: 1 variant allele.
Comment: ITPR1: PM2, PP3

Ambry Genetics
Classification: Uncertain significance for Inborn genetic diseases. Last evaluated: 2022-08-02. Review status: criteria provided, single submitter. Criteria: Ambry Variant Classification Scheme 2023. Collection method: clinical testing. Allele origin: germline.